The following is an entry in ClinVar:

NM_182493.3(MYLK3):c.371C>A (p.Ala124Asp)

Gene: MYLK3 (myosin light chain kinase 3; minus strand). Cytogenetic location: 16q11.2.
Variant type: single nucleotide variant.
Coding change: c.371C>A on transcript NM_182493.3 (MANE Select); coding-DNA position 371, C replaced by A.
Protein change: p.Ala124Asp; replaces alanine 124 with aspartic acid.
Molecular consequence: missense variant. On other transcripts: intron variant (1).
Genome position (GRCh38, 1-based): chr16:46,747,823, G>T on the plus strand (C>A on the coding strand, the complement: MYLK3 is on the minus strand). VCF-style: chr16-46747823-G-T. GRCh37 (hg19) VCF-style: chr16-46781735-G-T.
Other names: c.-113-7676C>A (NM_001308301.1); short protein forms A124D.
Identifiers: ClinVar variation 3003241 (VCV003003241.3), dbSNP rs1967055456, ClinGen allele CA395796947.

ClinVar aggregate classification (germline): Uncertain significance (1 of 4 stars; one submission).

Allele frequency attached by ClinVar (database versions not stated): TOPMed below 0.00001; gnomAD 0.00001.
gnomAD v4.1: 1 of 1,614,082 alleles (0.000062%); highest among the groups gnomAD compares: Non-Finnish European, 0.000085%; no homozygotes.

Submission:

Labcorp Genetics (formerly Invitae), Labcorp
Classification: Uncertain significance. Last evaluated: 2023-02-18. Review status: criteria provided, single submitter. Criteria: Invitae Variant Classification Sherloc (09022015). Collection method: clinical testing. Allele origin: germline.
Comment: This sequence change replaces alanine, which is neutral and non-polar, with aspartic acid, which is acidic and polar, at codon 124 of the MYLK3 protein (p.Ala124Asp). This variant is not present in population databases (gnomAD no frequency). This variant has not been reported in the literature in individuals affected with MYLK3-related conditions. An algorithm developed to predict the effect of missense changes on protein structure and function (PolyPhen-2) suggests that this variant is likely to be disruptive. In summary, the available evidence is currently insufficient to determine the role of this variant in disease. Therefore, it has been classified as a Variant of Uncertain Significance.